The following is an entry in ClinVar:

NM_001447.3(FAT2):c.12419T>C (p.Val4140Ala)

Genes: FAT2 (FAT atypical cadherin 2; minus strand), SLC36A1 (solute carrier family 36 member 1; plus strand). Cytogenetic location: 5q33.1.
Variant type: single nucleotide variant.
Coding change: c.12419T>C on transcript NM_001447.3 (MANE Select); coding-DNA position 12419, T replaced by C.
Protein change: p.Val4140Ala; replaces valine 4140 with alanine.
Molecular consequence: missense variant.
Genome position (GRCh38, 1-based): chr5:151,507,252, A>G on the plus strand (T>C on the coding strand, the complement: FAT2 is on the minus strand). VCF-style: chr5-151507252-A-G. GRCh37 (hg19) VCF-style: chr5-150886813-A-G.
Other names: short protein forms V4140A.
Identifiers: ClinVar variation 2694230 (VCV002694230.3), dbSNP rs2480862660, ClinGen allele CA361818263.

ClinVar aggregate classification (germline): Uncertain significance (1 of 4 stars; one submission).

Submission:

Labcorp Genetics (formerly Invitae), Labcorp
Classification: Uncertain significance. Last evaluated: 2023-11-13. Review status: criteria provided, single submitter. Criteria: Invitae Variant Classification Sherloc (09022015). Collection method: clinical testing. Allele origin: germline.
Comment: This sequence change replaces valine, which is neutral and non-polar, with alanine, which is neutral and non-polar, at codon 4140 of the FAT2 protein (p.Val4140Ala). This variant is not present in population databases (gnomAD no frequency). This variant has not been reported in the literature in individuals affected with FAT2-related conditions. An algorithm developed to predict the effect of missense changes on protein structure and function (PolyPhen-2) suggests that this variant is likely to be tolerated. In summary, the available evidence is currently insufficient to determine the role of this variant in disease. Therefore, it has been classified as a Variant of Uncertain Significance.